The following is an entry in ClinVar:

NM_001042492.3(NF1):c.1443dup (p.Thr482fs)

Gene: NF1 (neurofibromin 1; plus strand). Cytogenetic location: 17q11.2.
Variant type: Duplication.
Coding change: c.1443dup on transcript NM_001042492.3 (MANE Select); coding-DNA position 1443, one base duplicated (T; older notation c.1443dupT).
Protein change: p.Thr482fs; shifts the reading frame from threonine 482.
Molecular consequence: frameshift variant.
Genome position (GRCh38, 1-based): chr17:31,214,501, T duplicated. VCF-style (leftmost placement, unchanged base first): chr17-31214500-C-CT. GRCh37 (hg19) VCF-style: chr17-29541518-C-CT.
Other names: c.1443dup, p.Thr482fs (NM_000267.4, NM_001128147.3); short protein forms T482fs.
Identifiers: ClinVar variation 4852666 (VCV004852666.2).
Genomic context (GRCh38, chr17:31,214,500, plus strand): 5'-TTTGTTTTTAGAGTCTTACATTTAAAGAAAAAGTAACAAGCCTTAAATTTAAAGAAAAAC[C>CT]TACAGACCTGGAGACAAGAAGCTATAAGTATCTTCTCTTGTCCATGGTGAAACTAATTCA-3'

ClinVar aggregate classification (germline): Pathogenic (1 of 4 stars; one submission).

Submission:

Dasa
Classification: Pathogenic. Last evaluated: 2025-11-10. Review status: criteria provided, single submitter. Criteria: DASA Assertion Criteria. Collection method: clinical testing. Allele origin: germline.
Comment: NM_001042492.3(NF1):c.1443dup (p.Thr482Tyrfs*9) is a frameshift variant in NF1 predicted to alter the reading frame and introduce a premature termination codon and is predicted to result in an absent or altered protein product. Loss of function is an established disease mechanism for NF1 (PMID: 1757093; PMID: 1302608; PMID: 34427956). Also, this variant is absent from population databases. Based on the currently available evidence, this variant is classified as pathogenic.

Literature cited by the submitters: PubMed 1757093; PubMed 1302608; PubMed 34427956.